The following is an entry in ClinVar:

NM_020937.4(FANCM):c.4619C>T (p.Ser1540Phe)

Gene: FANCM (FA complementation group M; plus strand). Cytogenetic location: 14q21.2.
Variant type: single nucleotide variant.
Coding change: c.4619C>T on transcript NM_020937.4 (MANE Select); coding-DNA position 4619, C replaced by T.
Protein change: p.Ser1540Phe; replaces serine 1540 with phenylalanine.
Molecular consequence: missense variant.
Genome position (GRCh38, 1-based): chr14:45,185,320, C>T. VCF-style: chr14-45185320-C-T. GRCh37 (hg19) VCF-style: chr14-45654523-C-T.
Other names: c.4541C>T, p.Ser1514Phe (NM_001308133.2); short protein forms S1514F, S1540F.
Identifiers: ClinVar variation 843314 (VCV000843314.9), dbSNP rs1889332251, ClinGen allele CA389608297.

ClinVar aggregate classification (germline): Uncertain significance (1 of 4 stars; one submission).

Conditions:
Fanconi anemia (FA). Also called: Fanconi's anemia. Identifiers: Orphanet 84, MedGen C0015625, MeSH D005199, MONDO:0019391.

Submission:

Labcorp Genetics (formerly Invitae), Labcorp
Classification: Uncertain significance for Fanconi anemia. Last evaluated: 2022-08-15. Review status: criteria provided, single submitter. Criteria: Invitae Variant Classification Sherloc (09022015). Collection method: clinical testing. Allele origin: germline.
Comment: In summary, the available evidence is currently insufficient to determine the role of this variant in disease. Therefore, it has been classified as a Variant of Uncertain Significance. Algorithms developed to predict the effect of missense changes on protein structure and function are either unavailable or do not agree on the potential impact of this missense change (SIFT: "Tolerated"; PolyPhen-2: "Probably Damaging"; Align-GVGD: "Class C0"). ClinVar contains an entry for this variant (Variation ID: 843314). This variant has not been reported in the literature in individuals affected with FANCM-related conditions. This variant is not present in population databases (gnomAD no frequency). This sequence change replaces serine, which is neutral and polar, with phenylalanine, which is neutral and non-polar, at codon 1540 of the FANCM protein (p.Ser1540Phe).